The following is an entry in ClinVar:

NM_000169.3(GLA):c.831G>C (p.Trp277Cys)

Genes: GLA (galactosidase alpha; minus strand), RPL36A-HNRNPH2 (RPL36A-HNRNPH2 readthrough; plus strand). Cytogenetic location: Xq22.1.
Variant type: single nucleotide variant.
Coding change: c.831G>C on transcript NM_000169.3 (MANE Select); coding-DNA position 831, G replaced by C.
Protein change: p.Trp277Cys; replaces tryptophan 277 with cysteine.
Molecular consequence: missense variant. On other transcripts: non-coding transcript variant (3), intron variant (2).
Genome position (GRCh38, 1-based): chrX:101,398,538, C>G on the plus strand (G>C on the coding strand, the complement: GLA is on the minus strand). VCF-style: chrX-101398538-C-G. GRCh37 (hg19) VCF-style: chrX-100653526-C-G.
Other names: c.954G>C, p.Trp318Cys (NM_001406747.1); c.831G>C, p.Trp277Cys (NM_001406748.1); c.300+3081C>G (NM_001199973.2); c.177+6716C>G (NM_001199974.2); short protein forms W277C, W318C.
Identifiers: ClinVar variation 524211 (VCV000524211.20), dbSNP rs782196174, ClinGen allele CA333093229.
Genomic context (GRCh38, chrX:101,398,538, plus strand): 5'-AGACATGAATAAAGGAGCAGCCATGATAGCCCAGAGGGCCATCTGAGTTACTTGCTGATT[C>G]CAGCTGAGGCCAAAGTTGCCAATCACTAACTGAGAAAAAGAATGAAATAATTCAAACAAG-3'
Protein context (NP_000160.1, residues 267-287): MLVIGNFGLS[Trp277Cys]NQQVTQMALW

ClinVar aggregate classification (germline): Uncertain significance. Review status: criteria provided, multiple submitters, no conflicts (2 of 4 stars). 7 submissions from 7 submitters: Uncertain significance (6). 1 of the submissions does not count toward it. Last evaluated 2026-09-08.

Conditions:
Cardiovascular phenotype. Identifiers: MedGen CN230736.
Fabry disease. Also called: Fabry's disease; Ceramide trihexosidosis; Angiokeratoma corporis diffusum; ALPHA-GALACTOSIDASE A DEFICIENCY; ANDERSON-FABRY DISEASE; CERAMIDE TRIHEXOSIDASE DEFICIENCY. Identifiers: Orphanet 324, MedGen C0002986, MONDO:0010526, OMIM 301500, HP:0001071. Disease mechanism: Fabry disease is due to inactivating mutations in the X-linked GLA gene resulting in deficiency of the enzyme Alpha Galactosidase-A., loss of function.

Allele frequency attached by ClinVar (database versions not stated): TOPMed 0.00001; gnomAD 0.00002; gnomAD exomes 0.00011.
gnomAD v4.1: 117 of 1,203,632 alleles (0.0097%); highest among the groups gnomAD compares: Non-Finnish European, 0.013%; no homozygotes.

Submissions (7):

Genomenon, Inc
Classification: Uncertain significance for Fabry disease. Last evaluated: 2026-09-08. Review status: criteria provided, single submitter. Criteria: Genomenon Sequence Variant Interpretation Standards - Updated. Collection method: curation. Allele origin: germline. Affected: no.
Comment: GLA p.Trp277Cys (c.831G>C) is a missense variant that changes the amino acid at codon 277 from Tryptophan to Cysteine. This variant has been reported in the published literature (PMID:27657681). It is absent or not present at a significant frequency in gnomAD. In conclusion, we classify GLA p.Trp277Cys (c.831G>C) as a variant of uncertain significance.

Labcorp Genetics (formerly Invitae), Labcorp
Classification: Uncertain significance for Fabry disease. Last evaluated: 2024-09-15. Review status: criteria provided, single submitter. Criteria: Invitae Variant Classification Sherloc (09022015). Collection method: clinical testing. Allele origin: germline.
Comment: This sequence change replaces tryptophan, which is neutral and slightly polar, with cysteine, which is neutral and slightly polar, at codon 277 of the GLA protein (p.Trp277Cys). This variant is not present in population databases (gnomAD no frequency). This variant has not been reported in the literature in individuals affected with GLA-related conditions. ClinVar contains an entry for this variant (Variation ID: 524211). Invitae Evidence Modeling of protein sequence and biophysical properties (such as structural, functional, and spatial information, amino acid conservation, physicochemical variation, residue mobility, and thermodynamic stability) indicates that this missense variant is not expected to disrupt GLA protein function with a negative predictive value of 80%. In summary, the available evidence is currently insufficient to determine the role of this variant in disease. Therefore, it has been classified as a Variant of Uncertain Significance.

Ambry Genetics
Classification: Uncertain significance for Cardiovascular phenotype. Last evaluated: 2024-07-24. Review status: criteria provided, single submitter. Criteria: Ambry Variant Classification Scheme 2023. Collection method: clinical testing. Allele origin: germline.
Comment: The p.W277C variant (also known as c.831G>C), located in coding exon 6 of the GLA gene, results from a G to C substitution at nucleotide position 831. The tryptophan at codon 277 is replaced by cysteine, an amino acid with highly dissimilar properties. This amino acid position is not well conserved in available vertebrate species. In addition, the in silico prediction for this alteration is inconclusive. Based on the available evidence, the clinical significance of this variant remains unclear.

ARUP Laboratories, Molecular Genetics and Genomics, ARUP Laboratories
Classification: Uncertain significance. Last evaluated: 2024-03-20. Review status: criteria provided, single submitter. Criteria: ARUP Molecular Germline Variant Investigation Process 2024. Collection method: clinical testing. Allele origin: germline.
Comment: The GLA c.831G>C; p.Trp277Cys variant (rs782196174), to our knowledge, is not reported in the medical literature but is reported in ClinVar (Variation ID: 524211). This variant is absent from the Genome Aggregation Database (v2.1.1), indicating it is not a common polymorphism. Computational analyses are uncertain whether this variant is neutral or deleterious (REVEL: 0.613). Due to limited information, the clinical significance of this variant is uncertain at this time.

All of Us Research Program, National Institutes of Health
Classification: Uncertain significance for Fabry disease. Last evaluated: 2024-03-05. Review status: criteria provided, single submitter. Criteria: ACMG Guidelines, 2015. Collection method: clinical testing. Allele origin: germline. Inheritance: X-linked inheritance. Observed: 4 variant alleles, 4 heterozygotes.
Comment: This missense variant replaces tryptophan with cysteine at codon 277 of the GLA protein. Computational prediction is inconclusive regarding the impact of this variant on protein structure and function (internally defined REVEL score threshold 0.5 < inconclusive < 0.7, PMID: 27666373). To our knowledge, functional studies have not been reported for this variant. This variant has not been reported in individuals affected with GLA-related disorders in the literature. This variant has not been identified in the general population by the Genome Aggregation Database (gnomAD). The available evidence is insufficient to determine the role of this variant in disease conclusively. Therefore, this variant is classified as a Variant of Uncertain Significance.

This study involves interpretation of variants in research participants for the purpose of population health screening. Participant phenotype was not available at the time of variant classification. Additional details can be found in publication PMID: 35346344, PMCID: PMC8962531

Revvity Omics, Revvity
Classification: Uncertain significance. Last evaluated: 2021-12-02. Review status: criteria provided, single submitter. Criteria: ACMG Guidelines, 2015. Collection method: clinical testing. Allele origin: germline.

Natera, Inc.
Classification: Uncertain significance for Fabry disease. Last evaluated: 2021-09-09. Review status: no assertion criteria provided. Collection method: clinical testing. Allele origin: germline. Not counted in ClinVar's aggregate classification.

Literature cited by the submitters: PubMed 27657681 (cited by Genomenon, Inc).